The following is an entry in ClinVar:

NM_000834.5(GRIN2B):c.2069G>T (p.Ser690Ile)

Gene: GRIN2B (glutamate ionotropic receptor NMDA type subunit 2B; minus strand). Cytogenetic location: 12p13.1.
Variant type: single nucleotide variant.
Coding change: c.2069G>T on transcript NM_000834.5 (MANE Select); coding-DNA position 2069, G replaced by T.
Protein change: p.Ser690Ile; replaces serine 690 with isoleucine.
Molecular consequence: missense variant.
Genome position (GRCh38, 1-based): chr12:13,571,906, C>A on the plus strand (G>T on the coding strand, the complement: GRIN2B is on the minus strand). VCF-style: chr12-13571906-C-A. GRCh37 (hg19) VCF-style: chr12-13724840-C-A.
Other names: c.2069G>T, p.Ser690Ile (NM_001413992.1); short protein forms S690I.
Identifiers: ClinVar variation 2950632 (VCV002950632.3), dbSNP rs2497485831, ClinGen allele CA383999736.

ClinVar aggregate classification (germline): Uncertain significance (1 of 4 stars; one submission).

Conditions:
Intellectual developmental disorder, autosomal dominant 6, with or without seizures. Also called: GRIN2B-related developmental delay, intellectual disability and autism spectrum disorder; Intellectual disability, autosomal dominant 6. Identifiers: Orphanet 589547, MedGen C3151411, MONDO:0013509, OMIM 613970.
Developmental and epileptic encephalopathy, 27 (DEE27). Also called: Epileptic encephalopathy, early infantile, 27; GRIN2B-Related Neurodevelopmental Disorder. Identifiers: Orphanet 3451, MedGen C4015316, MONDO:0014505, OMIM 616139.

Submission:

Labcorp Genetics (formerly Invitae), Labcorp
Classification: Uncertain significance for Developmental and epileptic encephalopathy, 27; Intellectual developmental disorder, autosomal dominant 6, with or without seizures. Last evaluated: 2023-09-06. Review status: criteria provided, single submitter. Criteria: Invitae Variant Classification Sherloc (09022015). Collection method: clinical testing. Allele origin: germline.
Comment: In summary, the available evidence is currently insufficient to determine the role of this variant in disease. Therefore, it has been classified as a Variant of Uncertain Significance. Advanced modeling of protein sequence and biophysical properties (such as structural, functional, and spatial information, amino acid conservation, physicochemical variation, residue mobility, and thermodynamic stability) performed at Invitae indicates that this missense variant is expected to disrupt GRIN2B protein function. This variant has not been reported in the literature in individuals affected with GRIN2B-related conditions. This variant is not present in population databases (gnomAD no frequency). This sequence change replaces serine, which is neutral and polar, with isoleucine, which is neutral and non-polar, at codon 690 of the GRIN2B protein (p.Ser690Ile).